The following is an entry in ClinVar:

NM_004656.4(BAP1):c.720G>A (p.Lys240=)

Gene: BAP1 (BRCA1 associated deubiquitinase 1; minus strand). Cytogenetic location: 3p21.1.
Variant type: single nucleotide variant.
Coding change: c.720G>A on transcript NM_004656.4 (MANE Select); coding-DNA position 720, G replaced by A.
Protein change: p.Lys240=; no amino-acid change (lysine 240 retained).
Molecular consequence: synonymous variant.
Genome position (GRCh38, 1-based): chr3:52,406,316, C>T on the plus strand (G>A on the coding strand, the complement: BAP1 is on the minus strand). VCF-style: chr3-52406316-C-T. GRCh37 (hg19) VCF-style: chr3-52440332-C-T.
Other names: c.720G>A (LRG_529t1).
Identifiers: ClinVar variation 485263 (VCV000485263.17), dbSNP rs1379682858, ClinGen allele CA433776284.

ClinVar aggregate classification (germline): Benign/Likely benign. Review status: criteria provided, multiple submitters, no conflicts (2 of 4 stars). 5 submissions from 5 submitters: Benign (1); Likely benign (4). Last evaluated 2025-07-09.

Conditions:
Hereditary cancer-predisposing syndrome. Also called: Neoplastic Syndromes, Hereditary; Tumor predisposition; Hereditary Cancer Syndrome; Hereditary neoplastic syndrome. Identifiers: Orphanet 140162, MedGen C0027672, MeSH D009386, MONDO:0015356.
BAP1-related tumor predisposition syndrome (TPDS1). Also called: Tumor susceptibility linked to germline BAP1 mutations; BAP1 tumor predisposition syndrome; COMMON Syndrome; TUMOR PREDISPOSITION SYNDROME 1. Identifiers: Orphanet 289539, MedGen C3280492, MONDO:0013692, OMIM 614327.

Allele frequency attached by ClinVar (database versions not stated): gnomAD exomes below 0.00001; gnomAD 0.00001; TOPMed 0.00001.
gnomAD v4.1: 6 of 1,614,112 alleles (0.00037%); highest among the groups gnomAD compares: Non-Finnish European, 0.00051%; no homozygotes.

Submissions (5):

Labcorp Genetics (formerly Invitae), Labcorp
Classification: Likely benign for BAP1-related tumor predisposition syndrome. Last evaluated: 2025-07-09. Review status: criteria provided, single submitter. Criteria: Invitae Variant Classification Sherloc (09022015). Collection method: clinical testing. Allele origin: germline.

Center for Genomic Medicine, Rigshospitalet, Copenhagen University Hospital
Classification: Likely benign. Last evaluated: 2025-03-04. Review status: criteria provided, single submitter. Criteria: ACMG Guidelines, 2015. Collection method: clinical testing. Allele origin: germline.

Myriad Genetics, Inc.
Classification: Benign for BAP1-related tumor predisposition syndrome. Last evaluated: 2024-07-15. Review status: criteria provided, single submitter. Criteria: Myriad Autosomal Dominant, Autosomal Recessive and X-Linked Classification Criteria (2023). Collection method: clinical testing. Allele origin: unknown.
Comment: This variant is considered benign. This variant is a silent/synonymous amino acid change and it is not expected to impact splicing.

Color Diagnostics, LLC DBA Color Health
Classification: Likely benign for Hereditary cancer-predisposing syndrome. Last evaluated: 2018-09-05. Review status: criteria provided, single submitter. Criteria: ACMG Guidelines, 2015. Collection method: clinical testing. Allele origin: germline.

Ambry Genetics
Classification: Likely benign for Hereditary cancer-predisposing syndrome. Last evaluated: 2017-01-24. Review status: criteria provided, single submitter. Criteria: Ambry Variant Classification Scheme 2023. Collection method: clinical testing. Allele origin: germline.